The following is an entry in ClinVar:

ClinVar aggregate classification (germline): Uncertain significance (1 of 4 stars; one submission).

Submission:

GeneDx
Classification: Uncertain significance. Last evaluated: 2016-03-07. Review status: criteria provided, single submitter. Criteria: GeneDx Variant Classification (06012015). Collection method: clinical testing. Allele origin: germline. Affected: yes.
Comment: This variant is denoted CDH1 c.118A>T at the cDNA level, p.Thr40Ser (T40S) at the protein level, and results in the change of a Threonine to a Serine (ACG>TCG). This variant has not, to our knowledge, been published in the literature as pathogenic or benign. CDH1 Thr40Ser was not observed in approximately 5,400 individuals of European and African American ancestry in the NHLBI Exome Sequencing Project, suggesting it is not a common benign variant in these populations. Since Threonine and Serine share similar properties, this is considered a conservative amino acid substitution. CDH1 Thr40Ser occurs at a position that is not conserved and is located within the propeptide region (UniProt). In silico analyses predict that this variant is unlikely to alter protein structure or function. Based on currently available evidence, it is unclear whether CDH1 Thr40Ser is a pathogenic or benign variant. We consider it to be a variant of uncertain significance.

NM_004360.5(CDH1):c.118A>T (p.Thr40Ser)

Gene: CDH1 (cadherin 1; plus strand). Cytogenetic location: 16q22.1.
Variant type: single nucleotide variant.
Coding change: c.118A>T on transcript NM_004360.5 (MANE Select); coding-DNA position 118, A replaced by T.
Protein change: p.Thr40Ser; replaces threonine 40 with serine.
Molecular consequence: missense variant. On other transcripts: 5 prime UTR variant (2).
Genome position (GRCh38, 1-based): chr16:68,738,366, A>T. VCF-style: chr16-68738366-A-T. GRCh37 (hg19) VCF-style: chr16-68772269-A-T.
Other names: c.118A>T (LRG_301t1); c.118A>T, p.Thr40Ser (NM_001317184.2); c.-1498A>T (NM_001317185.2); c.-1702A>T (NM_001317186.2); short protein forms T40S.
Identifiers: ClinVar variation 234886 (VCV000234886.2), dbSNP rs876661278, ClinGen allele CA10577533.